The following is an entry in ClinVar:

NM_032409.3(PINK1):c.1499C>G (p.Ala500Gly)

Genes: PINK1 (PTEN induced kinase 1; plus strand), PINK1-AS (PINK1 antisense RNA; minus strand). Cytogenetic location: 1p36.12.
Variant type: single nucleotide variant.
Coding change: c.1499C>G on transcript NM_032409.3 (MANE Select); coding-DNA position 1499, C replaced by G.
Protein change: p.Ala500Gly; replaces alanine 500 with glycine.
Molecular consequence: missense variant. On other transcripts: non-coding transcript variant (1).
Genome position (GRCh38, 1-based): chr1:20,650,444, C>G. VCF-style: chr1-20650444-C-G. GRCh37 (hg19) VCF-style: chr1-20976937-C-G.
Other names: short protein forms A500G.
Identifiers: ClinVar variation 1719588 (VCV001719588.6), dbSNP rs2545267724, ClinGen allele CA338840117.
Genomic context (GRCh38, chr1:20,650,444, plus strand): 5'-TGAGACTGTGTTAACAGATGTTCTAGCTACAGCTTCCCTTCCTGTTGCAGAGACCATCTG[C>G]CCGAGTAGCCGCAAATGTGCTTCATCTAAGCCTCTGGGGTGAACATATTCTAGCCCTGAA-3'
Protein context (NP_115785.1, residues 490-510): LQREASKRPS[Ala500Gly]RVAANVLHLS

ClinVar aggregate classification (germline): Uncertain significance (1 of 4 stars; one submission).

Conditions:
Autosomal recessive early-onset Parkinson disease 6 (PARK6). Also called: PINK1-Related Parkinson Disease; PINK1 Type of Young-Onset Parkinson Disease; PARKINSON DISEASE 6, EARLY-ONSET; PARKINSON DISEASE 6, MODIFIER OF. Identifiers: Orphanet 2828, MedGen C1853833, MONDO:0011613, OMIM 605909.

Allele frequency attached by ClinVar (database versions not stated): gnomAD exomes below 0.00001.
gnomAD v4.1: 1 of 1,613,922 alleles (0.000062%); highest among the groups gnomAD compares: South Asian, 0.0011%; no homozygotes.

Submission:

Labcorp Genetics (formerly Invitae), Labcorp
Classification: Uncertain significance for Autosomal recessive early-onset Parkinson disease 6. Last evaluated: 2022-09-16. Review status: criteria provided, single submitter. Criteria: Invitae Variant Classification Sherloc (09022015). Collection method: clinical testing. Allele origin: germline.
Comment: In summary, the available evidence is currently insufficient to determine the role of this variant in disease. Therefore, it has been classified as a Variant of Uncertain Significance. This variant is not present in population databases (gnomAD no frequency). This variant has not been reported in the literature in individuals affected with PINK1-related conditions. Advanced modeling of protein sequence and biophysical properties (such as structural, functional, and spatial information, amino acid conservation, physicochemical variation, residue mobility, and thermodynamic stability) has been performed at Invitae for this missense variant, however the output from this modeling did not meet the statistical confidence thresholds required to predict the impact of this variant on PINK1 protein function. This sequence change replaces alanine, which is neutral and non-polar, with glycine, which is neutral and non-polar, at codon 500 of the PINK1 protein (p.Ala500Gly).